The following is an entry in ClinVar:

NM_000074.3(CD40LG):c.38C>A (p.Ala13Glu)

Gene: CD40LG (CD40 ligand; plus strand). Cytogenetic location: Xq26.3.
Variant type: single nucleotide variant.
Coding change: c.38C>A on transcript NM_000074.3 (MANE Select); coding-DNA position 38, C replaced by A.
Protein change: p.Ala13Glu; replaces alanine 13 with glutamic acid.
Molecular consequence: missense variant.
Genome position (GRCh38, 1-based): chrX:136,648,286, C>A. VCF-style: chrX-136648286-C-A. GRCh37 (hg19) VCF-style: chrX-135730445-C-A.
Other names: short protein forms A13E.
Identifiers: ClinVar variation 1896557 (VCV001896557.2), dbSNP rs368003929, ClinGen allele CA414751530.
Genomic context (GRCh38, chrX:136,648,286, plus strand): 5'-TACCATTTCAACTTTAACACAGCATGATCGAAACATACAACCAAACTTCTCCCCGATCTG[C>A]GGCCACTGGACTGCCCATCAGCATGAAAATTTTTATGTATTTACTTACTGTTTTTCTTAT-3'
Protein context (NP_000065.1, residues 3-23): ETYNQTSPRS[Ala13Glu]ATGLPISMKI

ClinVar aggregate classification (germline): Uncertain significance (1 of 4 stars; one submission).

Conditions:
Hyper-IgM syndrome type 1. Also called: CD40 Ligand Deficiency; X-linked hyper-IgM syndrome; Immunodeficiency, X-linked, with hyper-IgM; Hyper-IgM Immunodeficiency Syndrome, Type 1. Identifiers: Orphanet 101088, MedGen C0398689, MONDO:0010626, OMIM 308230.

Submission:

Labcorp Genetics (formerly Invitae), Labcorp
Classification: Uncertain significance for Hyper-IgM syndrome type 1. Last evaluated: 2022-09-16. Review status: criteria provided, single submitter. Criteria: Invitae Variant Classification Sherloc (09022015). Collection method: clinical testing. Allele origin: germline.
Comment: This sequence change replaces alanine, which is neutral and non-polar, with glutamic acid, which is acidic and polar, at codon 13 of the CD40LG protein (p.Ala13Glu). This variant is not present in population databases (gnomAD no frequency). This variant has not been reported in the literature in individuals affected with CD40LG-related conditions. Advanced modeling of protein sequence and biophysical properties (such as structural, functional, and spatial information, amino acid conservation, physicochemical variation, residue mobility, and thermodynamic stability) has been performed at Invitae for this missense variant, however the output from this modeling did not meet the statistical confidence thresholds required to predict the impact of this variant on CD40LG protein function. In summary, the available evidence is currently insufficient to determine the role of this variant in disease. Therefore, it has been classified as a Variant of Uncertain Significance.